The following is an entry in ClinVar:

ClinVar aggregate classification (germline): Uncertain significance (1 of 4 stars; one submission).

Conditions:
Familial cancer of breast. Also called: hereditary breast carcinoma; Hereditary breast cancer; BREAST CANCER, FAMILIAL. Identifiers: Orphanet 227535, MedGen C0346153, MONDO:0016419, OMIM 114480. Disease mechanism: loss of function.

Submission:

Labcorp Genetics (formerly Invitae), Labcorp
Classification: Uncertain significance for Familial cancer of breast. Last evaluated: 2021-11-30. Review status: criteria provided, single submitter. Criteria: Invitae Variant Classification Sherloc (09022015). Collection method: clinical testing. Allele origin: germline.
Comment: In summary, the available evidence is currently insufficient to determine the role of this variant in disease. Therefore, it has been classified as a Variant of Uncertain Significance. Algorithms developed to predict the effect of missense changes on protein structure and function (SIFT, PolyPhen-2, Align-GVGD) all suggest that this variant is likely to be tolerated. This sequence change replaces valine, which is neutral and non-polar, with leucine, which is neutral and non-polar, at codon 1089 of the PALB2 protein (p.Val1089Leu). This variant is not present in population databases (gnomAD no frequency). This variant has not been reported in the literature in individuals affected with PALB2-related conditions.

NM_024675.4(PALB2):c.3265G>T (p.Val1089Leu)

Gene: PALB2 (partner and localizer of BRCA2; minus strand). Cytogenetic location: 16p12.2.
Variant type: single nucleotide variant.
Coding change: c.3265G>T on transcript NM_024675.4 (MANE Select); coding-DNA position 3265, G replaced by T.
Protein change: p.Val1089Leu; replaces valine 1089 with leucine.
Molecular consequence: missense variant.
Genome position (GRCh38, 1-based): chr16:23,607,949, C>A on the plus strand (G>T on the coding strand, the complement: PALB2 is on the minus strand). VCF-style: chr16-23607949-C-A. GRCh37 (hg19) VCF-style: chr16-23619270-C-A.
Other names: short protein forms V1089L.
Identifiers: ClinVar variation 1446295 (VCV001446295.7), dbSNP rs1966509780, ClinGen allele CA395139727.